The following is an entry in ClinVar:

NM_017780.4(CHD7):c.1159C>T (p.Gln387Ter)

Gene: CHD7 (chromodomain helicase DNA binding protein 7; plus strand). Cytogenetic location: 8q12.2.
Variant type: single nucleotide variant.
Coding change: c.1159C>T on transcript NM_017780.4 (MANE Select); coding-DNA position 1159, C replaced by T.
Protein change: p.Gln387Ter; replaces glutamine 387 with a stop codon.
Molecular consequence: nonsense.
Genome position (GRCh38, 1-based): chr8:60,742,591, C>T. VCF-style: chr8-60742591-C-T. GRCh37 (hg19) VCF-style: chr8-61655150-C-T.
Other names: c.1159C>T, p.Gln387Ter (NM_001316690.1); short protein forms Q387*.
Identifiers: ClinVar variation 1459725 (VCV001459725.6), dbSNP rs2150580244, ClinGen allele CA371301646.

ClinVar aggregate classification (germline): Pathogenic (1 of 4 stars; one submission).

Conditions:
CHARGE syndrome (CHARGE). Also called: Coloboma, heart anomaly, choanal atresia, retardation, genital and ear anomalies; CHARGE association; Hall-Hittner syndrome; Hittner Hirsch Kreh syndrome; CHARGE ASSOCIATION--COLOBOMA, HEART ANOMALY, CHOANAL ATRESIA, RETARDATION, GENITAL AND EAR ANOMALIES. Identifiers: Orphanet 138, MedGen C0265354, MONDO:0008965.

Submission:

Labcorp Genetics (formerly Invitae), Labcorp
Classification: Pathogenic for CHARGE syndrome. Last evaluated: 2021-09-26. Review status: criteria provided, single submitter. Criteria: Invitae Variant Classification Sherloc (09022015). Collection method: clinical testing. Allele origin: germline.
Comment: For these reasons, this variant has been classified as Pathogenic. This premature translational stop signal has been observed in individual(s) with CHARGE syndrome (PMID: 22461308). This variant is not present in population databases (ExAC no frequency). This sequence change creates a premature translational stop signal (p.Gln387*) in the CHD7 gene. It is expected to result in an absent or disrupted protein product. Loss-of-function variants in CHD7 are known to be pathogenic (PMID: 22461308, 25077900).

Literature cited by the submitters: PubMed 22461308; PubMed 25077900.